The following is an entry in ClinVar:

ClinVar aggregate classification (germline): Uncertain significance (1 of 4 stars; one submission).

Conditions:
Hereditary pancreatitis (PCTT). Also called: Hereditary chronic pancreatitis; PRSS1-Related Hereditary Pancreatitis. Identifiers: Orphanet 676, MedGen C0238339, MONDO:0008185, OMIM 167800.

Submission:

Ambry Genetics
Classification: Uncertain significance for Hereditary pancreatitis. Last evaluated: 2022-11-03. Review status: criteria provided, single submitter. Criteria: Ambry Variant Classification Scheme 2023. Collection method: clinical testing. Allele origin: germline.
Comment: The p.H179R variant (also known as c.536A>G), located in coding exon 5 of the CPA1 gene, results from an A to G substitution at nucleotide position 536. The histidine at codon 179 is replaced by arginine, an amino acid with highly similar properties. This amino acid position is conserved. In addition, this alteration is predicted to be deleterious by in silico analysis. Since supporting evidence is limited at this time, the clinical significance of this alteration remains unclear.

NM_001868.4(CPA1):c.536A>G (p.His179Arg)

Gene: CPA1 (carboxypeptidase A1; plus strand). Cytogenetic location: 7q32.2.
Variant type: single nucleotide variant.
Coding change: c.536A>G on transcript NM_001868.4 (MANE Select); coding-DNA position 536, A replaced by G.
Protein change: p.His179Arg; replaces histidine 179 with arginine.
Molecular consequence: missense variant.
Genome position (GRCh38, 1-based): chr7:130,383,443, A>G. VCF-style: chr7-130383443-A-G. GRCh37 (hg19) VCF-style: chr7-130023284-A-G.
Other names: short protein forms H179R.
Identifiers: ClinVar variation 2448255 (VCV002448255.2), dbSNP rs2536008148, ClinGen allele CA369282328.